The following is an entry in ClinVar:

NM_001144997.2(ITGA7):c.-9A>G

Gene: ITGA7 (integrin subunit alpha 7; minus strand). Cytogenetic location: 12q13.2.
Variant type: single nucleotide variant.
Coding change: c.-9A>G on transcript NM_001144997.2; 9 bases upstream of the start codon, A replaced by G.
Molecular consequence: 5 prime UTR variant.
Genome position (GRCh38, 1-based): chr12:55,712,278, T>C on the plus strand (A>G on the coding strand, the complement: ITGA7 is on the minus strand). VCF-style: chr12-55712278-T-C. GRCh37 (hg19) VCF-style: chr12-56106062-T-C.
Other names: c.-227A>G (NM_001367993.1).
Identifiers: ClinVar variation 3053124 (VCV003053124.2), dbSNP rs781318924, ClinGen allele CA6616507.
Genomic context (GRCh38, chr12:55,712,278, plus strand): 5'-AAACCCTTAACACTTGAGAAGGACTGGGAGGTCACTTACCAAAGGGAGCCATTTGGACTG[T>C]CTCAAGGGCCCCCTTTCTTTGAGCACTGGCTTCAGGCCAACATTTGGAACTTAGCCACAC-3'

ClinVar aggregate classification (germline): Likely benign (0 of 4 stars; one submission).

Conditions:
ITGA7-related disorder. Also called: ITGA7-related condition.

Allele frequency attached by ClinVar (database versions not stated): gnomAD exomes below 0.00001; ExAC 0.00005.
gnomAD v4.1: 1 of 1,544,040 alleles (0.000065%); highest among the groups gnomAD compares: African/African-American, 0.0014%; no homozygotes.

Submission:

PreventionGenetics, part of Exact Sciences
Classification: Likely benign for ITGA7-related condition. Last evaluated: 2019-08-20. Review status: no assertion criteria provided. Collection method: clinical testing. Allele origin: germline.
Comment: This variant is classified as likely benign based on ACMG/AMP sequence variant interpretation guidelines (Richards et al. 2015 PMID: 25741868, with internal and published modifications).